The following is an entry in ClinVar:

NM_007294.4(BRCA1):c.2845_2849del (p.Gly948_Gly949insTer)

Gene: BRCA1 (BRCA1 DNA repair associated; minus strand). Cytogenetic location: 17q21.31.
Variant type: Deletion.
Coding change: c.2845_2849del on transcript NM_007294.4 (MANE Select); coding-DNA positions 2845 to 2849, 5 bases deleted (GGCTC; older notation c.2845_2849delGGCTC).
Protein change: p.Gly948_Gly949insTer.
Molecular consequence: nonsense. On other transcripts: intron variant (137).
Genome position (GRCh38, 1-based): chr17:43,092,682-43,092,686, GAGCC deleted on the plus strand (GGCTC on the coding strand, the reverse complement: BRCA1 is on the minus strand). VCF-style (leftmost placement, unchanged base first): chr17-43092681-AGAGCC-A. GRCh37 (hg19) VCF-style: chr17-41244698-AGAGCC-A.
Other names: c.575-1654_575-1650del (NM_001408490.1, NM_001408491.1, NM_001408493.1); c.455-1654_455-1650del (NM_001408502.1); c.578-1654_578-1650del (NM_001408489.1, NM_001408479.1, NM_001408482.1 and 9 more transcripts); c.662-1654_662-1650del (NM_001408445.1, NM_001408432.1, NM_001408450.1 and 6 more transcripts); c.668-1654_668-1650del (NM_001408431.1, NM_001408424.1, NM_001408421.1); c.785-1654_785-1650del (NM_001408407.1, NM_001408402.1, NM_001408473.1 and 13 more transcripts); c.665-1654_665-1650del (NM_001408443.1, NM_001408439.1, NM_001408425.1 and 12 more transcripts); c.671-1654_671-1650del (NM_001408419.1, NM_001408422.1, NM_001408418.1 and 2 more transcripts); and 41 more.
Identifiers: ClinVar variation 2585824 (VCV002585824.2), dbSNP rs2552182707, ClinGen allele CA2582342187.
Genomic context (GRCh38, chr17:43,092,681, plus strand): 5'-TTTATTTGGAGTAATGAGTCCAGTTTCGTTGCCTCTGAACTGAGATGATAGACAAAACCT[AGAGCC>A]TCCTTTGATACTACATTTGGCATTATCAACTGGCTTATCTTTCTGACCAACCACAGGAAA-3'

ClinVar aggregate classification (germline): Pathogenic (1 of 4 stars; one submission).

Conditions:
Hereditary cancer-predisposing syndrome. Also called: Hereditary neoplastic syndrome; Tumor predisposition; Hereditary Cancer Syndrome; Neoplastic Syndromes, Hereditary. Identifiers: Orphanet 140162, MedGen C0027672, MeSH D009386, MONDO:0015356.

Submission:

Ambry Genetics
Classification: Pathogenic for Hereditary cancer-predisposing syndrome. Last evaluated: 2023-07-20. Review status: criteria provided, single submitter. Criteria: Ambry Variant Classification Scheme 2023. Collection method: clinical testing. Allele origin: germline.
Comment: The c.2845_2849delGGCTC pathogenic mutation, located in coding exon 9 of the BRCA1 gene, results from a deletion of 5 nucleotides at nucleotide positions 2845 to 2849, causing a translational frameshift with a predicted alternate stop codon (p.G949*). This variant is considered to be rare based on population cohorts in the Genome Aggregation Database (gnomAD). This alteration is expected to result in loss of function by premature protein truncation or nonsense-mediated mRNA decay. As such, this alteration is interpreted as a disease-causing mutation.